The following is an entry in ClinVar:

ClinVar aggregate classification (germline): Uncertain significance (1 of 4 stars; one submission).

gnomAD v4.1: 10 of 1,609,176 alleles (0.00062%); highest among the groups gnomAD compares: Non-Finnish European, 0.00085%; no homozygotes.

Submission:

GeneDx
Classification: Uncertain significance. Last evaluated: 2024-09-12. Review status: criteria provided, single submitter. Criteria: GeneDx Variant Classification Process June 2021. Collection method: clinical testing. Allele origin: germline. Affected: yes.
Comment: Not observed at significant frequency in large population cohorts (gnomAD); In silico analysis supports that this missense variant has a deleterious effect on protein structure/function; Has not been previously published as pathogenic or benign to our knowledge

NM_198503.5(KCNT2):c.2069A>G (p.Glu690Gly)

Gene: KCNT2 (potassium sodium-activated channel subfamily T member 2; minus strand). Cytogenetic location: 1q31.3.
Variant type: single nucleotide variant.
Coding change: c.2069A>G on transcript NM_198503.5 (MANE Select); coding-DNA position 2069, A replaced by G.
Protein change: p.Glu690Gly; replaces glutamic acid 690 with glycine.
Molecular consequence: missense variant. On other transcripts: non-coding transcript variant (2).
Genome position (GRCh38, 1-based): chr1:196,331,190, T>C on the plus strand (A>G on the coding strand, the complement: KCNT2 is on the minus strand). VCF-style: chr1-196331190-T-C. GRCh37 (hg19) VCF-style: chr1-196300320-T-C.
Other names: c.2069A>G, p.Glu690Gly (NM_001287819.3); c.1919A>G, p.Glu640Gly (NM_001287820.3); short protein forms E640G, E690G.
Identifiers: ClinVar variation 3774072 (VCV003774072.1).